The following is an entry in ClinVar:

ClinVar aggregate classification (germline): Uncertain significance. Review status: criteria provided, multiple submitters, no conflicts (2 of 4 stars). 4 submissions from 4 submitters: Uncertain significance (4). Last evaluated 2025-02-23.

Conditions:
Dilated cardiomyopathy 1AA (CMD1AA). Also called: CARDIOMYOPATHY, DILATED, 1AA, WITH OR WITHOUT LEFT VENTRICULAR NONCOMPACTION; CARDIOMYOPATHY, FAMILIAL HYPERTROPHIC, 23, WITH OR WITHOUT LEFT VENTRICULAR NONCOMPACTION; Cardiomyopathy, dilated, 1AA, with or without LVNC. Identifiers: Orphanet 154, MedGen C2677338, MONDO:0012808, OMIM 612158.
Primary familial hypertrophic cardiomyopathy (HCM). Identifiers: Orphanet 99739, MedGen C0949658, MeSH D024741, MONDO:0024573. Inheritance: Various modes of inheritance.
Cardiovascular phenotype. Identifiers: MedGen CN230736.
Cardiomyopathy (CMYO). Also called: Cardiomyopathies. Identifiers: Orphanet 167848, MedGen C0878544, MONDO:0004994, HP:0001638. Inheritance: Various modes of inheritance.

Submissions (4):

Labcorp Genetics (formerly Invitae), Labcorp
Classification: Uncertain significance for Primary familial hypertrophic cardiomyopathy; Dilated cardiomyopathy 1AA. Last evaluated: 2025-02-23. Review status: criteria provided, single submitter. Criteria: Invitae Variant Classification Sherloc (09022015). Collection method: clinical testing. Allele origin: germline.
Comment: This sequence change replaces glutamic acid, which is acidic and polar, with lysine, which is basic and polar, at codon 263 of the ACTN2 protein (p.Glu263Lys). This variant is not present in population databases (gnomAD no frequency). This variant has not been reported in the literature in individuals affected with ACTN2-related conditions. ClinVar contains an entry for this variant (Variation ID: 2197219). Invitae Evidence Modeling of protein sequence and biophysical properties (such as structural, functional, and spatial information, amino acid conservation, physicochemical variation, residue mobility, and thermodynamic stability) indicates that this missense variant is not expected to disrupt ACTN2 protein function with a negative predictive value of 80%. In summary, the available evidence is currently insufficient to determine the role of this variant in disease. Therefore, it has been classified as a Variant of Uncertain Significance.

Blueprint Genetics
Classification: Uncertain significance. Last evaluated: 2023-11-06. Review status: criteria provided, single submitter. Criteria: ACMG Guidelines, 2015. Collection method: clinical testing. Allele origin: germline.

Ambry Genetics
Classification: Uncertain significance for Cardiovascular phenotype. Last evaluated: 2023-04-18. Review status: criteria provided, single submitter. Criteria: Ambry Variant Classification Scheme 2023. Collection method: clinical testing. Allele origin: germline.
Comment: The p.E263K variant (also known as c.787G>A), located in coding exon 9 of the ACTN2 gene, results from a G to A substitution at nucleotide position 787. The glutamic acid at codon 263 is replaced by lysine, an amino acid with similar properties. This amino acid position is highly conserved in available vertebrate species. In addition, this alteration is predicted to be deleterious by in silico analysis. Since supporting evidence is limited at this time, the clinical significance of this alteration remains unclear.

CHEO Genetics Diagnostic Laboratory, Children's Hospital of Eastern Ontario
Classification: Uncertain significance for Cardiomyopathy. Last evaluated: 2023-01-30. Review status: criteria provided, single submitter. Criteria: ACMG Guidelines, 2015. Collection method: clinical testing. Allele origin: germline.

NM_001103.4(ACTN2):c.787G>A (p.Glu263Lys)

Gene: ACTN2 (actinin alpha 2; plus strand). Cytogenetic location: 1q43.
Variant type: single nucleotide variant.
Coding change: c.787G>A on transcript NM_001103.4 (MANE Select); coding-DNA position 787, G replaced by A.
Protein change: p.Glu263Lys; replaces glutamic acid 263 with lysine.
Molecular consequence: missense variant.
Genome position (GRCh38, 1-based): chr1:236,737,125, G>A. VCF-style: chr1-236737125-G-A. GRCh37 (hg19) VCF-style: chr1-236900425-G-A.
Other names: c.787G>A, p.Glu263Lys (NM_001278343.2); c.163G>A, p.Glu55Lys (NM_001278344.2); c.37G>A, p.Glu13Lys (NM_001412150.1); c.787G>A (NM_001103.2); short protein forms E13K, E263K, E55K.
Identifiers: ClinVar variation 2197219 (VCV002197219.8), dbSNP rs753887853, ClinGen allele CA345378764.